The following is an entry in ClinVar:

ClinVar aggregate classification (germline): Likely pathogenic (1 of 4 stars; one submission).

Submission:

Labcorp Genetics (formerly Invitae), Labcorp
Classification: Likely pathogenic. Last evaluated: 2022-09-08. Review status: criteria provided, single submitter. Criteria: Invitae Variant Classification Sherloc (09022015). Collection method: clinical testing. Allele origin: germline.
Comment: Algorithms developed to predict the effect of sequence changes on RNA splicing suggest that this variant may disrupt the consensus splice site. In summary, the currently available evidence indicates that the variant is pathogenic, but additional data are needed to prove that conclusively. Therefore, this variant has been classified as Likely Pathogenic. ClinVar contains an entry for this variant (Variation ID: 1521617). This sequence change affects an acceptor splice site in intron 12 of the COL2A1 gene. It is expected to disrupt RNA splicing. Variants that disrupt the donor or acceptor splice site typically lead to a loss of protein function (PMID: 16199547), and loss-of-function variants in COL2A1 are known to be pathogenic (PMID: 20179744). This variant is not present in population databases (gnomAD no frequency). Disruption of this splice site has been observed in individual(s) with clinical features of spondyloepiphyseal dysplasia (PMID: 22791362).

Literature cited by the submitters: PubMed 16199547; PubMed 20179744; PubMed 22791362.

NM_001844.5(COL2A1):c.817-2A>C

Gene: COL2A1 (collagen type II alpha 1 chain; minus strand). Cytogenetic location: 12q13.11.
Variant type: single nucleotide variant.
Coding change: c.817-2A>C on transcript NM_001844.5 (MANE Select); the canonical splice acceptor site of the intron before coding-DNA position 817, A replaced by C.
Molecular consequence: splice acceptor variant.
Genome position (GRCh38, 1-based): chr12:47,994,049, T>G on the plus strand (A>C on the coding strand, the complement: COL2A1 is on the minus strand). VCF-style: chr12-47994049-T-G. GRCh37 (hg19) VCF-style: chr12-48387832-T-G.
Other names: c.610-2A>C (NM_033150.3).
Identifiers: ClinVar variation 1521617 (VCV001521617.6), dbSNP rs2136610697, ClinGen allele CA384522387.